The following is an entry in ClinVar:

NM_001384474.1(LOXHD1):c.2498G>A (p.Arg833Gln)

Gene: LOXHD1 (lipoxygenase homology PLAT domains 1; minus strand). Cytogenetic location: 18q21.1.
Variant type: single nucleotide variant.
Coding change: c.2498G>A on transcript NM_001384474.1 (MANE Select); coding-DNA position 2498, G replaced by A.
Protein change: p.Arg833Gln; replaces arginine 833 with glutamine.
Molecular consequence: missense variant.
Genome position (GRCh38, 1-based): chr18:46,563,165, C>T on the plus strand (G>A on the coding strand, the complement: LOXHD1 is on the minus strand). VCF-style: chr18-46563165-C-T. GRCh37 (hg19) VCF-style: chr18-44143128-C-T.
Other names: c.2498G>A (NM_144612.6); c.2498G>A, p.Arg833Gln (NM_144612.7); short protein forms R833Q.
Identifiers: ClinVar variation 2739898 (VCV002739898.2), dbSNP rs750370059, ClinGen allele CA299795761.

ClinVar aggregate classification (germline): Uncertain significance. Review status: criteria provided, multiple submitters, no conflicts (2 of 4 stars). 2 submissions from 2 submitters: Uncertain significance (2). Last evaluated 2025-08-21.

Conditions:
Inborn genetic diseases. Identifiers: MedGen C0950123, MeSH D030342.

Allele frequency attached by ClinVar (database versions not stated): TOPMed 0.00005; gnomAD 0.00006.
gnomAD v4.1: 121 of 1,532,548 alleles (0.0079%); highest among the groups gnomAD compares: South Asian, 0.013%; no homozygotes.

Submissions (2):

Ambry Genetics
Classification: Uncertain significance for Inborn genetic diseases. Last evaluated: 2025-08-21. Review status: criteria provided, single submitter. Criteria: Ambry Variant Classification Scheme 2023. Collection method: clinical testing. Allele origin: germline.

Labcorp Genetics (formerly Invitae), Labcorp
Classification: Uncertain significance. Last evaluated: 2024-01-28. Review status: criteria provided, single submitter. Criteria: Invitae Variant Classification Sherloc (09022015). Collection method: clinical testing. Allele origin: germline.
Comment: This sequence change replaces arginine, which is basic and polar, with glutamine, which is neutral and polar, at codon 833 of the LOXHD1 protein (p.Arg833Gln). This variant is present in population databases (rs750370059, gnomAD 0.009%). This variant has not been reported in the literature in individuals affected with LOXHD1-related conditions. Algorithms developed to predict the effect of missense changes on protein structure and function output the following: SIFT: "Not Available"; PolyPhen-2: "Benign"; Align-GVGD: "Not Available". The glutamine amino acid residue is found in multiple mammalian species, which suggests that this missense change does not adversely affect protein function. In summary, the available evidence is currently insufficient to determine the role of this variant in disease. Therefore, it has been classified as a Variant of Uncertain Significance.